The following is an entry in ClinVar:

ClinVar aggregate classification (germline): Uncertain significance (1 of 4 stars; one submission).

Conditions:
Dyskeratosis congenita, autosomal dominant 2. Identifiers: MedGen C3151443, MONDO:0013521, OMIM 613989.
Idiopathic Pulmonary Fibrosis. Also called: Idiopathic fibrosing alveolitis, chronic form; idiopathic fibrosing alveolitis. Identifiers: Orphanet 2032, MedGen C1800706, MeSH D054990, MONDO:0800504.

Submission:

Labcorp Genetics (formerly Invitae), Labcorp
Classification: Uncertain significance for Dyskeratosis congenita, autosomal dominant 2; Idiopathic Pulmonary Fibrosis. Last evaluated: 2016-10-23. Review status: criteria provided, single submitter. Criteria: Invitae Variant Classification Sherloc (09022015). Collection method: clinical testing. Allele origin: germline.
Comment: This sequence change replaces glutamic acid with alanine at codon 782 of the TERT protein (p.Glu782Ala). The glutamic acid residue is moderately conserved and there is a moderate physicochemical difference between glutamic acid and alanine. This variant is not present in population databases (ExAC no frequency) and has not been reported in the literature in individuals with a TERT-related disease. Algorithms developed to predict the effect of missense changes on protein structure and function output the following: (SIFT: "Tolerated"; PolyPhen-2: "Benign"; Align-GVGD: "Class C0"). The alanine amino acid residue is found in multiple mammalian species, suggesting that this missense change does not adversely affect protein function. These predictions have not been confirmed by published functional studies. In summary, this variant is a novel missense change that is not predicted to affect protein function. There is no indication that it causes disease, but the available evidence is currently insufficient to prove that conclusively. Therefore, it has been classified as a Variant of Uncertain Significance.

NM_198253.3(TERT):c.2345A>C (p.Glu782Ala)

Gene: TERT (telomerase reverse transcriptase; minus strand). Cytogenetic location: 5p15.33.
Variant type: single nucleotide variant.
Coding change: c.2345A>C on transcript NM_198253.3 (MANE Select); coding-DNA position 2345, A replaced by C.
Protein change: p.Glu782Ala; replaces glutamic acid 782 with alanine.
Molecular consequence: missense variant.
Genome position (GRCh38, 1-based): chr5:1,272,222, T>G on the plus strand (A>C on the coding strand, the complement: TERT is on the minus strand). VCF-style: chr5-1272222-T-G. GRCh37 (hg19) VCF-style: chr5-1272337-T-G.
Other names: c.2345A>C, p.Glu782Ala (NM_001193376.3); short protein forms E782A.
Identifiers: ClinVar variation 410694 (VCV000410694.9), dbSNP rs1060503012, ClinGen allele CA16611672.